The following is an entry in ClinVar:

ClinVar aggregate classification (germline): Uncertain significance (1 of 4 stars; one submission).

Allele frequency attached by ClinVar (database versions not stated): gnomAD 0.00001; TOPMed 0.00003.

Submission:

CeGaT Center for Human Genetics Tuebingen
Classification: Uncertain significance. Last evaluated: 2026-01-01. Review status: criteria provided, single submitter. Criteria: CeGaT Center For Human Genetics Tuebingen Variant Classification Criteria Version 2. Collection method: clinical testing. Allele origin: germline. Affected: yes. Observed: 2 variant alleles.
Comment: ABCA2: PM2

NM_001606.5(ABCA2):c.4107G>A (p.Ser1369=)

Gene: ABCA2 (ATP binding cassette subfamily A member 2; minus strand). Cytogenetic location: 9q34.3.
Variant type: single nucleotide variant.
Coding change: c.4107G>A on transcript NM_001606.5 (MANE Select); coding-DNA position 4107, G replaced by A.
Protein change: p.Ser1369=; no amino-acid change (serine 1369 retained).
Molecular consequence: synonymous variant.
Genome position (GRCh38, 1-based): chr9:137,014,301, C>T on the plus strand (G>A on the coding strand, the complement: ABCA2 is on the minus strand). VCF-style: chr9-137014301-C-T. GRCh37 (hg19) VCF-style: chr9-139908753-C-T.
Other names: c.4104G>A, p.Ser1368= (NM_001411042.1); c.4197G>A, p.Ser1399= (NM_212533.3).
Identifiers: ClinVar variation 3239243 (VCV003239243.19), dbSNP rs780365730.
Genomic context (GRCh38, chr9:137,014,301, plus strand): 5'-GCCAGCTCCCTCGTCGCCACGGGCAGAGCCCACAGATGACGCCGACTGCAGCGATGCCTG[C>T]GACTGGGTCAGCTCCGAGCACCGGGCCAGATTGCCAGCGTGACCCTCCCCAGACGCCGGG-3'
Protein context (NP_001597.2, residues 1359-1379): NLARCSELTQ[Ser1369=]QASLQSASSV